The following is an entry in ClinVar:

NM_015100.4(POGZ):c.2169C>T (p.Asp723=)

Gene: POGZ (pogo transposable element derived with ZNF domain; minus strand). Cytogenetic location: 1q21.3.
Variant type: single nucleotide variant.
Coding change: c.2169C>T on transcript NM_015100.4 (MANE Select); coding-DNA position 2169, C replaced by T.
Protein change: p.Asp723=; no amino-acid change (aspartic acid 723 retained).
Molecular consequence: synonymous variant.
Genome position (GRCh38, 1-based): chr1:151,408,474, G>A on the plus strand (C>T on the coding strand, the complement: POGZ is on the minus strand). VCF-style: chr1-151408474-G-A. GRCh37 (hg19) VCF-style: chr1-151380950-G-A.
Other names: c.2142C>T, p.Asp714= (NM_001194937.2); c.1983C>T, p.Asp661= (NM_001194938.2); c.2190C>T, p.Asp730= (NM_001410860.1); c.1884C>T, p.Asp628= (NM_145796.4); c.2010C>T, p.Asp670= (NM_207171.2).
Identifiers: ClinVar variation 3042710 (VCV003042710.2), dbSNP rs575309202, ClinGen allele CA1091251.

ClinVar aggregate classification (germline): Likely benign (0 of 4 stars; one submission).

Conditions:
POGZ-related disorder. Also called: POGZ-related condition.

Allele frequency attached by ClinVar (database versions not stated): gnomAD exomes 0.00004; TOPMed 0.00004; gnomAD 0.00006; ExAC 0.00012; 1000 Genomes Project 0.00040; 1000 Genomes Project 30x 0.00047.
gnomAD v4.1: 70 of 1,593,112 alleles (0.0044%); highest among the groups gnomAD compares: East Asian, 0.054%; no homozygotes.

Submission:

PreventionGenetics, part of Exact Sciences
Classification: Likely benign for POGZ-related condition. Last evaluated: 2019-07-01. Review status: no assertion criteria provided. Collection method: clinical testing. Allele origin: germline.
Comment: This variant is classified as likely benign based on ACMG/AMP sequence variant interpretation guidelines (Richards et al. 2015 PMID: 25741868, with internal and published modifications).